The following is an entry in ClinVar:

ClinVar aggregate classification (germline): Likely pathogenic. Review status: criteria provided, multiple submitters, no conflicts (2 of 4 stars). 2 submissions from 2 submitters: Likely pathogenic (2). Last evaluated 2023-08-01.

Conditions:
Mowat-Wilson syndrome (MOWS). Also called: Classic Mowat-Wilson Syndrome. Identifiers: Orphanet 2152, MedGen C1856113, MONDO:0009341, OMIM 235730.

gnomAD v4.1: 3 of 1,614,238 alleles (0.00019%); highest among the groups gnomAD compares: East Asian, 0.0067%; no homozygotes.

Submissions (2):

Ophthalmic Genetics and Bioinformatics Laboratory, Shanghai Puxi and Light Genomics Technology Co., Ltd.
Classification: Likely pathogenic for Mowat-Wilson syndrome. Last evaluated: 2023-08-01. Review status: criteria provided, single submitter. Criteria: Standards And Guidelines For The Interpretation Of Sequence Variants. Collection method: clinical testing. Allele origin: paternal. Affected: yes.

Ningxia Clinical Research Institute, People's Hospital of Ningxia Hui Autonomous Region
Classification: Likely pathogenic for Mowat-Wilson syndrome. Review status: criteria provided, single submitter. Criteria: ACMG Guidelines, 2015. Collection method: clinical testing. Allele origin: inherited. Inheritance: Autosomal dominant inheritance with paternal imprinting. Affected: yes.
Comment: ACMG guidelines: 1. 2. The variant has been reported in the literature (ref. 48) (PS1_Strong). 3. Multiple bioinformatics tools predict a damaging effect (PP3_Supporting). 4. Cross-species conservation analysis shows that amino-acid position 389 is highly conserved, suggesting that the variant is likely to impair ZEB2 protein structure and function (PP3_Supporting). 5. The proband’s clinical presentation is consistent with Mowat-Wilson syndrome (PP4_Supporting). 6. A certified clinical laboratory has classified the variant as pathogenic (PP5_Supporting). According to the ACMG guidelines, the ZEB2 heterozygous variant c.1165A>C (p.Lys389Gln) was classified as likely pathogenic.

Literature cited by the submitters: PubMed 29483666 (cited by Ningxia Clinical Research Institute, People's Hospital of Ningxia Hui Autonomous Region).

NM_014795.4(ZEB2):c.1165A>C (p.Lys389Gln)

Gene: ZEB2 (zinc finger E-box binding homeobox 2; minus strand). Cytogenetic location: 2q22.3.
Variant type: single nucleotide variant.
Coding change: c.1165A>C on transcript NM_014795.4 (MANE Select); coding-DNA position 1165, A replaced by C.
Protein change: p.Lys389Gln; replaces lysine 389 with glutamine.
Molecular consequence: missense variant.
Genome position (GRCh38, 1-based): chr2:144,400,022, T>G on the plus strand (A>C on the coding strand, the complement: ZEB2 is on the minus strand). VCF-style: chr2-144400022-T-G. GRCh37 (hg19) VCF-style: chr2-145157589-T-G.
Other names: c.1093A>C, p.Lys365Gln (NM_001171653.2); short protein forms K365Q, K389Q.
Identifiers: ClinVar variation 4082197 (VCV004082197.2).